The following is an entry in ClinVar:

NM_000455.5(STK11):c.1200G>A (p.Leu400=)

Gene: STK11 (serine/threonine kinase 11; plus strand). Cytogenetic location: 19p13.3.
Variant type: single nucleotide variant.
Coding change: c.1200G>A on transcript NM_000455.5 (MANE Select); coding-DNA position 1200, G replaced by A.
Protein change: p.Leu400=; no amino-acid change (leucine 400 retained).
Molecular consequence: synonymous variant.
Genome position (GRCh38, 1-based): chr19:1,226,545, G>A. VCF-style: chr19-1226545-G-A. GRCh37 (hg19) VCF-style: chr19-1226544-G-A.
Identifiers: ClinVar variation 184516 (VCV000184516.44), dbSNP rs368661707, ClinGen allele CA022456.

ClinVar aggregate classification (germline): Benign/Likely benign. Review status: criteria provided, multiple submitters, no conflicts (2 of 4 stars). 15 submissions from 15 submitters: Benign (3); Likely benign (8). 4 of the submissions do not count toward it. Last evaluated 2026-07-01.

Conditions:
STK11-related disorder. Also called: STK11-related condition.
Hereditary cancer-predisposing syndrome. Also called: Hereditary neoplastic syndrome; Tumor predisposition; Neoplastic Syndromes, Hereditary; Hereditary Cancer Syndrome. Identifiers: Orphanet 140162, MedGen C0027672, MeSH D009386, MONDO:0015356.
Peutz-Jeghers syndrome (PJS). Also called: POLYPOSIS, HAMARTOMATOUS INTESTINAL; POLYPS-AND-SPOTS SYNDROME; Peutz-Jeghers polyposis; Periorificial lentiginosis syndrome. Identifiers: Orphanet 2869, MedGen C0031269, MeSH D010580, MONDO:0008280, OMIM 175200.

Allele frequency attached by ClinVar (database versions not stated): TOPMed 0.00002; gnomAD 0.00003 and 0.00004; gnomAD exomes 0.00004; ESP Exome Variant Server 0.00008; ExAC 0.00014.
gnomAD v4.1: 67 of 1,604,470 alleles (0.0042%); highest among the groups gnomAD compares: Non-Finnish European, 0.0047%; no homozygotes.

Submissions (15):

CeGaT Center for Human Genetics Tuebingen
Classification: Likely benign. Last evaluated: 2026-07-01. Review status: criteria provided, single submitter. Criteria: CeGaT Center For Human Genetics Tuebingen Variant Classification Criteria Version 2. Collection method: clinical testing. Allele origin: germline. Affected: yes. Observed: 2 variant alleles.
Comment: STK11: BP4, BP7

Labcorp Genetics (formerly Invitae), Labcorp
Classification: Likely benign for Peutz-Jeghers syndrome. Last evaluated: 2026-01-25. Review status: criteria provided, single submitter. Criteria: Invitae Variant Classification Sherloc (09022015). Collection method: clinical testing. Allele origin: germline.

Myriad Genetics, Inc.
Classification: Benign for Peutz-Jeghers syndrome. Last evaluated: 2025-03-28. Review status: criteria provided, single submitter. Criteria: Myriad Autosomal Dominant, Autosomal Recessive and X-Linked Classification Criteria (2023). Collection method: clinical testing. Allele origin: unknown.
Comment: This variant is considered benign. This variant is a silent/synonymous amino acid change and it is not expected to impact splicing.

All of Us Research Program, National Institutes of Health
Classification: Likely benign for Peutz-Jeghers syndrome. Last evaluated: 2024-01-03. Review status: criteria provided, single submitter. Criteria: ACMG Guidelines, 2015. Collection method: clinical testing. Allele origin: germline. Inheritance: Autosomal dominant inheritance. Observed: 8 variant alleles, 8 heterozygotes.
Comment: This study involves interpretation of variants in research participants for the purpose of population health screening. Participant phenotype was not available at the time of variant classification. Additional details can be found in publication PMID: 35346344, PMCID: PMC8962531

Blueprint Genetics
Classification: Likely benign. Last evaluated: 2023-12-21. Review status: criteria provided, single submitter. Criteria: ACMG Guidelines, 2015. Collection method: clinical testing. Allele origin: germline.

Women's Health and Genetics/Laboratory Corporation of America, LabCorp
Classification: Benign. Last evaluated: 2023-11-22. Review status: criteria provided, single submitter. Criteria: LabCorp Variant Classification Summary - May 2015. Collection method: clinical testing. Allele origin: germline.

Sema4
Classification: Likely benign for Hereditary cancer-predisposing syndrome. Last evaluated: 2021-10-08. Review status: criteria provided, single submitter. Criteria: Sema4 Curation Guidelines. Collection method: curation. Allele origin: germline.

Genome-Nilou Lab
Classification: Likely benign for Peutz-Jeghers syndrome. Last evaluated: 2021-07-15. Review status: criteria provided, single submitter. Criteria: ACMG Guidelines, 2015. Collection method: clinical testing. Allele origin: germline. Affected: no.

Color Diagnostics, LLC DBA Color Health
Classification: Likely benign for Hereditary cancer-predisposing syndrome. Last evaluated: 2016-12-01. Review status: criteria provided, single submitter. Criteria: ACMG Guidelines, 2015. Collection method: clinical testing. Allele origin: germline.

GeneDx
Classification: Benign. Last evaluated: 2015-03-03. Review status: criteria provided, single submitter. Criteria: GeneDx Variant Classification Process June 2021. Collection method: clinical testing. Allele origin: germline. Affected: yes.

Ambry Genetics
Classification: Likely benign for Hereditary cancer-predisposing syndrome. Last evaluated: 2014-11-21. Review status: criteria provided, single submitter. Criteria: Ambry Variant Classification Scheme 2023. Collection method: clinical testing. Allele origin: germline.

PreventionGenetics, part of Exact Sciences
Classification: Likely benign for STK11-related condition. Last evaluated: 2019-07-15. Review status: no assertion criteria provided. Collection method: clinical testing. Allele origin: germline. Not counted in ClinVar's aggregate classification.
Comment: This variant is classified as likely benign based on ACMG/AMP sequence variant interpretation guidelines (Richards et al. 2015 PMID: 25741868, with internal and published modifications).

Clinical Genetics, Academic Medical Center
Classification: Likely benign. Review status: no assertion criteria provided. Collection method: clinical testing. Allele origin: germline. Affected: yes. Study: VKGL Data-share Consensus. Not counted in ClinVar's aggregate classification.

Diagnostic Laboratory, Department of Genetics, University Medical Center Groningen
Classification: Likely benign. Review status: no assertion criteria provided. Collection method: clinical testing. Allele origin: germline. Affected: yes. Study: VKGL Data-share Consensus. Not counted in ClinVar's aggregate classification.

Genome Diagnostics Laboratory, Amsterdam University Medical Center
Classification: Likely benign. Review status: no assertion criteria provided. Collection method: clinical testing. Allele origin: germline. Affected: yes. Study: VKGL Data-share Consensus. Not counted in ClinVar's aggregate classification.